The following is an entry in ClinVar:

NM_001376.5(DYNC1H1):c.6011A>G (p.Lys2004Arg)

Gene: DYNC1H1 (dynein cytoplasmic 1 heavy chain 1; plus strand). Cytogenetic location: 14q32.31.
Variant type: single nucleotide variant.
Coding change: c.6011A>G on transcript NM_001376.5 (MANE Select); coding-DNA position 6011, A replaced by G.
Protein change: p.Lys2004Arg; replaces lysine 2004 with arginine.
Molecular consequence: missense variant.
Genome position (GRCh38, 1-based): chr14:102,009,876, A>G. VCF-style: chr14-102009876-A-G. GRCh37 (hg19) VCF-style: chr14-102476213-A-G.
Other names: short protein forms K2004R.
Identifiers: ClinVar variation 2916933 (VCV002916933.3), dbSNP rs2503750745, ClinGen allele CA391052552.

ClinVar aggregate classification (germline): Uncertain significance (1 of 4 stars; one submission).

Conditions:
Charcot-Marie-Tooth disease axonal type 2O. Also called: CHARCOT-MARIE-TOOTH NEUROPATHY, AXONAL, TYPE 2O; CHARCOT-MARIE-TOOTH DISEASE, AXONAL, AUTOSOMAL DOMINANT, TYPE 2O; Charcot-Marie-Tooth Neuropathy Type 2O; Charcot-Marie-Tooth disease, axonal, type 20. Identifiers: Orphanet 284232, MedGen C3280220, MONDO:0013644, OMIM 614228.

Allele frequency attached by ClinVar (database versions not stated): gnomAD exomes below 0.00001.
gnomAD v4.1: 1 of 1,614,094 alleles (0.000062%); highest among the groups gnomAD compares: Non-Finnish European, 0.000085%; no homozygotes.

Submission:

Labcorp Genetics (formerly Invitae), Labcorp
Classification: Uncertain significance for Charcot-Marie-Tooth disease axonal type 2O. Last evaluated: 2024-01-12. Review status: criteria provided, single submitter. Criteria: Invitae Variant Classification Sherloc (09022015). Collection method: clinical testing. Allele origin: germline.
Comment: This sequence change replaces lysine, which is basic and polar, with arginine, which is basic and polar, at codon 2004 of the DYNC1H1 protein (p.Lys2004Arg). This variant is not present in population databases (gnomAD no frequency). This variant has not been reported in the literature in individuals affected with DYNC1H1-related conditions. Advanced modeling of protein sequence and biophysical properties (such as structural, functional, and spatial information, amino acid conservation, physicochemical variation, residue mobility, and thermodynamic stability) performed at Invitae indicates that this missense variant is not expected to disrupt DYNC1H1 protein function with a negative predictive value of 95%. In summary, the available evidence is currently insufficient to determine the role of this variant in disease. Therefore, it has been classified as a Variant of Uncertain Significance.